The following is an entry in ClinVar:

NM_014927.5(CNKSR2):c.810+3204C>T

Gene: CNKSR2 (connector enhancer of kinase suppressor of Ras 2; plus strand). Cytogenetic location: Xp22.12.
Variant type: single nucleotide variant.
Coding change: c.810+3204C>T on transcript NM_014927.5 (MANE Select); 3204 bases into the intron after coding-DNA position 810, C replaced by T.
Molecular consequence: intron variant.
Genome position (GRCh38, 1-based): chrX:21,504,792, C>T. VCF-style: chrX-21504792-C-T. GRCh37 (hg19) VCF-style: chrX-21522910-C-T.
Other names: c.810+3204C>T (NM_001168647.3, NM_001330770.2, NM_001330772.2 and 4 more transcripts).
Identifiers: ClinVar variation 4281165 (VCV004281165.7).
Genomic context (GRCh38, chrX:21,504,792, plus strand): 5'-GAAATGAAACTGGAAGTTTTATGTCCTTTTTCATGTTGCTATATTCTCTGTTATAAGTGG[C>T]TTTTAAGTTTTTCAAACCAACATACTTCTGTGGCTGAGAAACTGTGGCTGCCAGATAGGA-3'

ClinVar aggregate classification (germline): Likely benign (1 of 4 stars; one submission).

gnomAD v4.1: 3 of 293,766 alleles (0.001%); highest among the groups gnomAD compares: Middle Eastern, 0.089%; no homozygotes.

Submission:

CeGaT Center for Human Genetics Tuebingen
Classification: Likely benign. Last evaluated: 2025-09-01. Review status: criteria provided, single submitter. Criteria: CeGaT Center For Human Genetics Tuebingen Variant Classification Criteria Version 2. Collection method: clinical testing. Allele origin: germline. Affected: yes. Observed: 1 variant allele.
Comment: CNKSR2: BP4, BP7